The following is an entry in ClinVar:

ClinVar aggregate classification (germline): Uncertain significance (1 of 4 stars; one submission).

Conditions:
Hereditary cancer-predisposing syndrome. Also called: Neoplastic Syndromes, Hereditary; Tumor predisposition; Hereditary neoplastic syndrome; Hereditary Cancer Syndrome. Identifiers: Orphanet 140162, MedGen C0027672, MeSH D009386, MONDO:0015356.

Submission:

Ambry Genetics
Classification: Uncertain significance for Hereditary cancer-predisposing syndrome. Last evaluated: 2026-07-06. Review status: criteria provided, single submitter. Criteria: Ambry Variant Classification Scheme 2023. Collection method: clinical testing. Allele origin: germline.
Comment: The p.P853T variant (also known as c.2557C>A), located in coding exon 17 of the BRIP1 gene, results from a C to A substitution at nucleotide position 2557. The proline at codon 853 is replaced by threonine, an amino acid with highly similar properties. This amino acid position is conserved. In addition, the in silico prediction for this alteration is inconclusive. Based on the available evidence, the clinical significance of this variant remains unclear.

NM_032043.3(BRIP1):c.2557C>A (p.Pro853Thr)

Gene: BRIP1 (BRCA1 interacting DNA helicase 1; minus strand). Cytogenetic location: 17q23.2.
Variant type: single nucleotide variant.
Coding change: c.2557C>A on transcript NM_032043.3 (MANE Select); coding-DNA position 2557, C replaced by A.
Protein change: p.Pro853Thr; replaces proline 853 with threonine.
Molecular consequence: missense variant.
Genome position (GRCh38, 1-based): chr17:61,693,448, G>T on the plus strand (C>A on the coding strand, the complement: BRIP1 is on the minus strand). VCF-style: chr17-61693448-G-T. GRCh37 (hg19) VCF-style: chr17-59770809-G-T.
Other names: short protein forms P853T.
Identifiers: ClinVar variation 5033407 (VCV005033407.1).